The following is an entry in ClinVar:

ClinVar aggregate classification (germline): Uncertain significance (1 of 4 stars; one submission).

Submission:

Mayo Clinic Laboratories, Mayo Clinic
Classification: Uncertain significance. Last evaluated: 2024-05-31. Review status: criteria provided, single submitter. Criteria: ACMG Guidelines, 2015. Collection method: clinical testing. Allele origin: germline. Observed: 1 variant allele.
Comment: PM2_moderate

NM_000443.4(ABCB4):c.2959C>A (p.Leu987Ile)

Gene: ABCB4 (ATP binding cassette subfamily B member 4; minus strand). Cytogenetic location: 7q21.12.
Variant type: single nucleotide variant.
Coding change: c.2959C>A on transcript NM_000443.4 (MANE Select); coding-DNA position 2959, C replaced by A.
Protein change: p.Leu987Ile; replaces leucine 987 with isoleucine.
Molecular consequence: missense variant.
Genome position (GRCh38, 1-based): chr7:87,409,358, G>T on the plus strand (C>A on the coding strand, the complement: ABCB4 is on the minus strand). VCF-style: chr7-87409358-G-T. GRCh37 (hg19) VCF-style: chr7-87038674-G-T.
Other names: p.Leu987Ile; c.2959C>A, p.Leu987Ile (NM_018849.3); c.2818C>A, p.Leu940Ile (NM_018850.3); short protein forms L940I, L987I.
Identifiers: ClinVar variation 3379769 (VCV003379769.1).